The following is an entry in ClinVar:

NM_014915.3(ANKRD26):c.3864A>C (p.Gln1288His)

Gene: ANKRD26 (ankyrin repeat domain 26; minus strand). Cytogenetic location: 10p12.1.
Variant type: single nucleotide variant.
Coding change: c.3864A>C on transcript NM_014915.3 (MANE Select); coding-DNA position 3864, A replaced by C.
Protein change: p.Gln1288His; replaces glutamine 1288 with histidine.
Molecular consequence: missense variant.
Genome position (GRCh38, 1-based): chr10:27,029,300, T>G on the plus strand (A>C on the coding strand, the complement: ANKRD26 is on the minus strand). VCF-style: chr10-27029300-T-G. GRCh37 (hg19) VCF-style: chr10-27318229-T-G.
Other names: c.3861A>C, p.Gln1287His (NM_001256053.2); short protein forms Q1287H, Q1288H.
Identifiers: ClinVar variation 4845123 (VCV004845123.1).

ClinVar aggregate classification (germline): Uncertain significance (1 of 4 stars; one submission).

Conditions:
Inborn genetic diseases. Identifiers: MedGen C0950123, MeSH D030342.

Submission:

Ambry Genetics
Classification: Uncertain significance for Inborn genetic diseases. Last evaluated: 2026-01-24. Review status: criteria provided, single submitter. Criteria: Ambry Variant Classification Scheme 2023. Collection method: clinical testing. Allele origin: germline.
Comment: The p.Q1288H variant (also known as c.3864A>C), located in coding exon 26 of the ANKRD26 gene, results from an A to C substitution at nucleotide position 3864. The glutamine at codon 1288 is replaced by histidine, an amino acid with highly similar properties. This amino acid position is conserved. In addition, this alteration is predicted to be tolerated by in silico analysis. Based on the available evidence, the clinical significance of this variant remains unclear.